The following is an entry in ClinVar:

ClinVar aggregate classification (germline): Uncertain significance (1 of 4 stars; one submission).

Conditions:
MYO3A-related disorder. Also called: MYO3A-related condition.

gnomAD v4.1: 14 of 1,614,062 alleles (0.00087%); highest among the groups gnomAD compares: Middle Eastern, 0.016%; no homozygotes.

Submission:

PreventionGenetics, part of Exact Sciences
Classification: Uncertain significance for MYO3A-related condition. Last evaluated: 2026-07-06. Review status: criteria provided, single submitter. Criteria: ACMG Guidelines, 2015. Collection method: clinical testing. Allele origin: germline.
Comment: The MYO3A c.914T>C variant is predicted to result in the amino acid substitution p.Ile305Thr. To our knowledge, this variant has not been reported in the literature. This variant is reported in 0.017% of alleles in individuals of Latino descent in gnomAD. At this time, the clinical significance of this variant is uncertain due to the absence of conclusive functional and genetic evidence.

NM_017433.5(MYO3A):c.914T>C (p.Ile305Thr)

Gene: MYO3A (myosin IIIA; plus strand). Cytogenetic location: 10p12.1.
Variant type: single nucleotide variant.
Coding change: c.914T>C on transcript NM_017433.5 (MANE Select); coding-DNA position 914, T replaced by C.
Protein change: p.Ile305Thr; replaces isoleucine 305 with threonine.
Molecular consequence: missense variant.
Genome position (GRCh38, 1-based): chr10:26,026,493, T>C. VCF-style: chr10-26026493-T-C. GRCh37 (hg19) VCF-style: chr10-26315422-T-C.
Other names: short protein forms I305T.
Identifiers: ClinVar variation 4977066 (VCV004977066.1).
Genomic context (GRCh38, chr10:26,026,493, plus strand): 5'-AATTCATTACTCAAATTGAGGGCAAAGATGTGATGCTACAAAAACAACTAACGGAATTCA[T>C]TGGCATCCATCAATGCATGGGAGGCACAGAAAAGGCCAGGTAATCAAATAATATCTTGAT-3'
Protein context (NP_059129.3, residues 295-315): VMLQKQLTEF[Ile305Thr]GIHQCMGGTE